The following is an entry in ClinVar:

ClinVar aggregate classification (germline): Uncertain significance (1 of 4 stars; one submission).

Conditions:
Hereditary cancer-predisposing syndrome. Also called: Neoplastic Syndromes, Hereditary; Tumor predisposition; Hereditary Cancer Syndrome; Hereditary neoplastic syndrome. Identifiers: Orphanet 140162, MedGen C0027672, MeSH D009386, MONDO:0015356.

Submission:

Ambry Genetics
Classification: Uncertain significance for Hereditary cancer-predisposing syndrome. Last evaluated: 2022-05-26. Review status: criteria provided, single submitter. Criteria: Ambry Variant Classification Scheme 2023. Collection method: clinical testing. Allele origin: germline.
Comment: The p.Q2478E variant (also known as c.7432C>G), located in coding exon 15 of the APC gene, results from a C to G substitution at nucleotide position 7432. The glutamine at codon 2478 is replaced by glutamic acid, an amino acid with highly similar properties. This amino acid position is conserved. In addition, in silico predictors for this gene do not accurately predict pathogenicity. Since supporting evidence is limited at this time, the clinical significance of this alteration remains unclear.

NM_000038.6(APC):c.7432C>G (p.Gln2478Glu)

Gene: APC (APC regulator of Wnt signaling pathway; plus strand). Cytogenetic location: 5q22.2.
Variant type: single nucleotide variant.
Coding change: c.7432C>G on transcript NM_000038.6 (MANE Select); coding-DNA position 7432, C replaced by G.
Protein change: p.Gln2478Glu; replaces glutamine 2478 with glutamic acid.
Molecular consequence: missense variant.
Genome position (GRCh38, 1-based): chr5:112,843,026, C>G. VCF-style: chr5-112843026-C-G. GRCh37 (hg19) VCF-style: chr5-112178723-C-G.
Other names: c.7432C>G, p.Gln2478Glu (NM_001127510.3, NM_001354895.2, NM_001407450.1); c.7378C>G, p.Gln2460Glu (NM_001127511.3); c.7486C>G, p.Gln2496Glu (NM_001354896.2, NM_001407447.1, NM_001407448.1 and 1 more transcripts); c.7462C>G, p.Gln2488Glu (NM_001354897.2); c.7357C>G, p.Gln2453Glu (NM_001354898.2); c.7348C>G, p.Gln2450Glu (NM_001354899.2); c.7309C>G, p.Gln2437Glu (NM_001354900.2); c.7255C>G, p.Gln2419Glu (NM_001354901.2, NM_001407453.1); and 11 more; short protein forms Q2318E, Q2419E, Q2468E, Q2195E, Q2349E, Q2377E, Q2387E, Q2395E.
Identifiers: ClinVar variation 1758892 (VCV001758892.2), dbSNP rs867450516, ClinGen allele CA16037504.